The following is an entry in ClinVar:

ClinVar aggregate classification (germline): Uncertain significance. Review status: criteria provided, multiple submitters, no conflicts (2 of 4 stars). 2 submissions from 2 submitters: Uncertain significance (2). Last evaluated 2024-10-23.

Allele frequency attached by ClinVar (database versions not stated): gnomAD exomes 0.00004; ExAC 0.00006; gnomAD 0.00006; TOPMed 0.00008.
gnomAD v4.1: 60 of 1,608,256 alleles (0.0037%); highest among the groups gnomAD compares: East Asian, 0.071%; no homozygotes.

Submissions (2):

Blueprint Genetics
Classification: Uncertain significance. Last evaluated: 2024-10-23. Review status: criteria provided, single submitter. Criteria: ACMG Guidelines, 2015. Collection method: clinical testing. Allele origin: germline.

Labcorp Genetics (formerly Invitae), Labcorp
Classification: Uncertain significance. Last evaluated: 2022-09-07. Review status: criteria provided, single submitter. Criteria: Invitae Variant Classification Sherloc (09022015). Collection method: clinical testing. Allele origin: germline.
Comment: This sequence change replaces aspartic acid, which is acidic and polar, with glutamic acid, which is acidic and polar, at codon 4166 of the DNAH9 protein (p.Asp4166Glu). This variant is present in population databases (rs758092078, gnomAD 0.06%). This variant has not been reported in the literature in individuals affected with DNAH9-related conditions. Algorithms developed to predict the effect of missense changes on protein structure and function (SIFT, PolyPhen-2, Align-GVGD) all suggest that this variant is likely to be tolerated. In summary, the available evidence is currently insufficient to determine the role of this variant in disease. Therefore, it has been classified as a Variant of Uncertain Significance.

NM_001372.4(DNAH9):c.12498T>A (p.Asp4166Glu)

Gene: DNAH9 (dynein axonemal heavy chain 9; plus strand). Cytogenetic location: 17p12.
Variant type: single nucleotide variant.
Coding change: c.12498T>A on transcript NM_001372.4 (MANE Select); coding-DNA position 12498, T replaced by A.
Protein change: p.Asp4166Glu; replaces aspartic acid 4166 with glutamic acid.
Molecular consequence: missense variant.
Genome position (GRCh38, 1-based): chr17:11,937,360, T>A. VCF-style: chr17-11937360-T-A. GRCh37 (hg19) VCF-style: chr17-11840677-T-A.
Other names: c.1434T>A, p.Asp478Glu (NM_004662.2); short protein forms D4166E, D478E.
Identifiers: ClinVar variation 2166356 (VCV002166356.5), dbSNP rs758092078, ClinGen allele CA8398176.